The following is an entry in ClinVar:

ClinVar aggregate classification (germline): Uncertain significance. Review status: criteria provided, multiple submitters, no conflicts (2 of 4 stars). 2 submissions from 2 submitters: Uncertain significance (2). Last evaluated 2026-08-17.

Conditions:
Cardiovascular phenotype. Identifiers: MedGen CN230736.

Allele frequency attached by ClinVar (database versions not stated): TOPMed 0.00001.

Submissions (2):

Ambry Genetics
Classification: Uncertain significance for Cardiovascular phenotype. Last evaluated: 2026-08-17. Review status: criteria provided, single submitter. Criteria: Ambry Variant Classification Scheme 2023. Collection method: clinical testing. Allele origin: germline.

Labcorp Genetics (formerly Invitae), Labcorp
Classification: Uncertain significance. Last evaluated: 2023-04-25. Review status: criteria provided, single submitter. Criteria: Invitae Variant Classification Sherloc (09022015). Collection method: clinical testing. Allele origin: germline.
Comment: This sequence change replaces serine, which is neutral and polar, with arginine, which is basic and polar, at codon 279 of the TBX20 protein (p.Ser279Arg). This variant is not present in population databases (gnomAD no frequency). This variant has not been reported in the literature in individuals affected with TBX20-related conditions. Advanced modeling of protein sequence and biophysical properties (such as structural, functional, and spatial information, amino acid conservation, physicochemical variation, residue mobility, and thermodynamic stability) performed at Invitae indicates that this missense variant is not expected to disrupt TBX20 protein function. In summary, the available evidence is currently insufficient to determine the role of this variant in disease. Therefore, it has been classified as a Variant of Uncertain Significance.

NM_001077653.2(TBX20):c.837C>A (p.Ser279Arg)

Gene: TBX20 (T-box transcription factor 20; minus strand). Cytogenetic location: 7p14.2.
Variant type: single nucleotide variant.
Coding change: c.837C>A on transcript NM_001077653.2 (MANE Select); coding-DNA position 837, C replaced by A.
Protein change: p.Ser279Arg; replaces serine 279 with arginine.
Molecular consequence: missense variant.
Genome position (GRCh38, 1-based): chr7:35,231,557, G>T on the plus strand (C>A on the coding strand, the complement: TBX20 is on the minus strand). VCF-style: chr7-35231557-G-T. GRCh37 (hg19) VCF-style: chr7-35271169-G-T.
Other names: c.837C>A, p.Ser279Arg (NM_001166220.1); short protein forms S279R.
Identifiers: ClinVar variation 2878227 (VCV002878227.4), dbSNP rs1789867194, ClinGen allele CA367263811.